The following is an entry in ClinVar:

ClinVar aggregate classification (germline): Uncertain significance (1 of 4 stars; one submission).

Conditions:
Inborn genetic diseases. Identifiers: MedGen C0950123, MeSH D030342.

Submission:

Ambry Genetics
Classification: Uncertain significance for Inborn genetic diseases. Last evaluated: 2026-08-08. Review status: criteria provided, single submitter. Criteria: Ambry Variant Classification Scheme 2023. Collection method: clinical testing. Allele origin: germline.
Comment: The p.G260R variant (also known as c.778G>C) is located in coding exon 7 of the FANCG gene. The glycine at codon 260 is replaced by arginine, an amino acid with dissimilar properties. This change occurs in the first base pair of coding exon 7. This amino acid position is conserved. In addition, this alteration is predicted to be tolerated by in silico analysis. Based on the available evidence, the clinical significance of this variant remains unclear.

NM_004629.2(FANCG):c.778G>C (p.Gly260Arg)

Gene: FANCG (FA complementation group G; minus strand). Cytogenetic location: 9p13.3.
Variant type: single nucleotide variant.
Coding change: c.778G>C on transcript NM_004629.2 (MANE Select); coding-DNA position 778, G replaced by C.
Protein change: p.Gly260Arg; replaces glycine 260 with arginine.
Molecular consequence: missense variant.
Genome position (GRCh38, 1-based): chr9:35,076,870, C>G on the plus strand (G>C on the coding strand, the complement: FANCG is on the minus strand). VCF-style: chr9-35076870-C-G. GRCh37 (hg19) VCF-style: chr9-35076867-C-G.
Other names: short protein forms G260R.
Identifiers: ClinVar variation 5036524 (VCV005036524.1).